The following is an entry in ClinVar:

ClinVar aggregate classification (germline): Uncertain significance (1 of 4 stars; one submission).

Conditions:
Pitt-Hopkins-like syndrome 2 (PTHSL2). Identifiers: Orphanet 221150, Orphanet 600663, MedGen C3280479, MONDO:0013690, OMIM 614325.

Submission:

Labcorp Genetics (formerly Invitae), Labcorp
Classification: Uncertain significance for Pitt-Hopkins-like syndrome 2. Last evaluated: 2023-08-10. Review status: criteria provided, single submitter. Criteria: Invitae Variant Classification Sherloc (09022015). Collection method: clinical testing. Allele origin: germline.
Comment: This sequence change replaces phenylalanine, which is neutral and non-polar, with cysteine, which is neutral and slightly polar, at codon 150 of the NRXN1 protein (p.Phe150Cys). This variant is not present in population databases (gnomAD no frequency). This variant has not been reported in the literature in individuals affected with NRXN1-related conditions. An algorithm developed to predict the effect of missense changes on protein structure and function (PolyPhen-2) suggests that this variant is likely to be disruptive. In summary, the available evidence is currently insufficient to determine the role of this variant in disease. Therefore, it has been classified as a Variant of Uncertain Significance.

NM_001330078.2(NRXN1):c.449T>G (p.Phe150Cys)

Gene: NRXN1 (neurexin 1; minus strand). Cytogenetic location: 2p16.3.
Variant type: single nucleotide variant.
Coding change: c.449T>G on transcript NM_001330078.2 (MANE Select); coding-DNA position 449, T replaced by G.
Protein change: p.Phe150Cys; replaces phenylalanine 150 with cysteine.
Molecular consequence: missense variant.
Genome position (GRCh38, 1-based): chr2:51,027,825, A>C on the plus strand (T>G on the coding strand, the complement: NRXN1 is on the minus strand). VCF-style: chr2-51027825-A-C. GRCh37 (hg19) VCF-style: chr2-51254963-A-C.
Other names: c.449T>G, p.Phe150Cys (NM_001135659.3, NM_001330077.2, NM_001330079.2 and 15 more transcripts); short protein forms F150C.
Identifiers: ClinVar variation 3008602 (VCV003008602.3), dbSNP rs1670807257, ClinGen allele CA346823973.
Genomic context (GRCh38, chr2:51,027,825, plus strand): 5'-GTGAGCTTGAGCGCCGCGGCGCGCAGTTCCGGGGGCAGCCCCCCGACGAAAAGGCCGCTG[A>C]ACACCGTCATGTCCCTGCGCTTGGACTTGACCTCCACCCACTTGGCCTCCACCTGGTCGA-3'
Protein context (NP_001317007.1, residues 140-160): VKSKRRDMTV[Phe150Cys]SGLFVGGLPP